The following is an entry in ClinVar:

ClinVar aggregate classification (germline): Benign/Likely benign. Review status: criteria provided, multiple submitters, no conflicts (2 of 4 stars). 2 submissions from 2 submitters: Benign (1); Likely benign (1). Last evaluated 2025-04-13.

Conditions:
Familial adenomatous polyposis 1 (FAP1). Also called: FAMILIAL ADENOMATOUS POLYPOSIS 1, ATTENUATED; POLYPOSIS, ADENOMATOUS INTESTINAL. Identifiers: MedGen C2713442, MONDO:0021056, OMIM 175100. Disease mechanism: loss of function.

Submissions (2):

Labcorp Genetics (formerly Invitae), Labcorp
Classification: Likely benign for Familial adenomatous polyposis 1. Last evaluated: 2025-04-13. Review status: criteria provided, single submitter. Criteria: Invitae Variant Classification Sherloc (09022015). Collection method: clinical testing. Allele origin: germline.

Myriad Genetics, Inc.
Classification: Benign for Familial adenomatous polyposis 1. Last evaluated: 2024-04-11. Review status: criteria provided, single submitter. Criteria: Myriad Autosomal Dominant, Autosomal Recessive and X-Linked Classification Criteria (2023). Collection method: clinical testing. Allele origin: unknown.
Comment: This variant is considered benign. This variant is a silent/synonymous amino acid change and it is not expected to impact splicing.

NM_000038.6(APC):c.7989C>T (p.Asp2663=)

Gene: APC (APC regulator of Wnt signaling pathway; plus strand). Cytogenetic location: 5q22.2.
Variant type: single nucleotide variant.
Coding change: c.7989C>T on transcript NM_000038.6 (MANE Select); coding-DNA position 7989, C replaced by T.
Protein change: p.Asp2663=; no amino-acid change (aspartic acid 2663 retained).
Molecular consequence: synonymous variant.
Genome position (GRCh38, 1-based): chr5:112,843,583, C>T. VCF-style: chr5-112843583-C-T. GRCh37 (hg19) VCF-style: chr5-112179280-C-T.
Other names: c.7989C>T, p.Asp2663= (NM_001127510.3, NM_001354895.2); c.7935C>T, p.Asp2645= (NM_001127511.3); c.8043C>T, p.Asp2681= (NM_001354896.2); c.8019C>T, p.Asp2673= (NM_001354897.2); c.7914C>T, p.Asp2638= (NM_001354898.2); c.7905C>T, p.Asp2635= (NM_001354899.2); c.7866C>T, p.Asp2622= (NM_001354900.2); c.7812C>T, p.Asp2604= (NM_001354901.2); and 5 more.
Identifiers: ClinVar variation 701203 (VCV000701203.10), dbSNP rs1580688943, ClinGen allele CA446211000.